The following is an entry in ClinVar:

ClinVar aggregate classification (germline): Pathogenic (1 of 4 stars; one submission).

Conditions:
Nemaline myopathy 2 (NEM2). Also called: Nemaline myopathy 2, autosomal recessive. Identifiers: MedGen C1850569, MONDO:0009725, OMIM 256030.

Submission:

Labcorp Genetics (formerly Invitae), Labcorp
Classification: Pathogenic for Nemaline myopathy 2. Last evaluated: 2024-01-04. Review status: criteria provided, single submitter. Criteria: Invitae Variant Classification Sherloc (09022015). Collection method: clinical testing. Allele origin: germline.
Comment: This sequence change creates a premature translational stop signal (p.Gln6646*) in the NEB gene. It is expected to result in an absent or disrupted protein product. Loss-of-function variants in NEB are known to be pathogenic (PMID: 25205138). This variant is not present in population databases (gnomAD no frequency). This variant has not been reported in the literature in individuals affected with NEB-related conditions. ClinVar contains an entry for this variant (Variation ID: 2111211). For these reasons, this variant has been classified as Pathogenic.

Literature cited by the submitters: PubMed 25205138.

NM_001164508.2(NEB):c.19936C>T (p.Gln6646Ter)

Gene: NEB (nebulin; minus strand). Cytogenetic location: 2q23.3.
Variant type: single nucleotide variant.
Coding change: c.19936C>T on transcript NM_001164508.2 (MANE Select); coding-DNA position 19936, C replaced by T.
Protein change: p.Gln6646Ter; replaces glutamine 6646 with a stop codon.
Molecular consequence: nonsense.
Genome position (GRCh38, 1-based): chr2:151,551,746, G>A on the plus strand (C>T on the coding strand, the complement: NEB is on the minus strand). VCF-style: chr2-151551746-G-A. GRCh37 (hg19) VCF-style: chr2-152408260-G-A.
Other names: c.19936C>T, p.Gln6646Ter (NM_001164507.2, NM_001271208.2); c.14833C>T, p.Gln4945Ter (NM_004543.5); short protein forms Q6646*, Q4945*.
Identifiers: ClinVar variation 2111211 (VCV002111211.4), dbSNP rs2552183816, ClinGen allele CA348787151.